The following is an entry in ClinVar:

NM_012464.5(TLL1):c.2444C>T (p.Ala815Val)

Gene: TLL1 (tolloid like 1; plus strand). Cytogenetic location: 4q32.3.
Variant type: single nucleotide variant.
Coding change: c.2444C>T on transcript NM_012464.5 (MANE Select); coding-DNA position 2444, C replaced by T.
Protein change: p.Ala815Val; replaces alanine 815 with valine.
Molecular consequence: missense variant.
Genome position (GRCh38, 1-based): chr4:166,091,129, C>T. VCF-style: chr4-166091129-C-T. GRCh37 (hg19) VCF-style: chr4-167012281-C-T.
Other names: c.2444C>T (NM_012464.4); short protein forms A815V.
Identifiers: ClinVar variation 3025367 (VCV003025367.23), dbSNP rs200047769, ClinGen allele CA3131236.

ClinVar aggregate classification (germline): Conflicting classifications of pathogenicity. Review status: criteria provided, conflicting classifications (1 of 4 stars). 2 submissions from 2 submitters: Uncertain significance (1); Likely benign (1). Last evaluated 2024-10-29.

gnomAD v4.1: 126 of 1,610,320 alleles (0.0078%); highest among the groups gnomAD compares: Non-Finnish European, 0.0086%; no homozygotes.

Submissions (2):

Ambry Genetics
Classification: Uncertain significance. Last evaluated: 2024-10-29. Review status: criteria provided, single submitter. Criteria: Ambry Variant Classification Scheme 2023. Collection method: clinical testing. Allele origin: germline.

CeGaT Center for Human Genetics Tuebingen
Classification: Likely benign. Last evaluated: 2024-02-01. Review status: criteria provided, single submitter. Criteria: CeGaT Center For Human Genetics Tuebingen Variant Classification Criteria Version 2. Collection method: clinical testing. Allele origin: germline. Affected: yes. Observed: 1 variant allele.
Comment: TLL1: BP4